The following is an entry in ClinVar:

NM_000548.5(TSC2):c.573C>T (p.Leu191=)

Gene: TSC2 (TSC complex subunit 2; plus strand). Cytogenetic location: 16p13.3.
Variant type: single nucleotide variant.
Coding change: c.573C>T on transcript NM_000548.5 (MANE Select); coding-DNA position 573, C replaced by T.
Protein change: p.Leu191=; no amino-acid change (leucine 191 retained).
Molecular consequence: synonymous variant. On other transcripts: intron variant (1).
Genome position (GRCh38, 1-based): chr16:2,055,493, C>T. VCF-style: chr16-2055493-C-T. GRCh37 (hg19) VCF-style: chr16-2105494-C-T.
Other names: c.573C>T, p.Leu191= (NM_001077183.3, NM_001114382.3, NM_001363528.2 and 3 more transcripts); c.462C>T, p.Leu154= (NM_001318827.2); c.426C>T, p.Leu142= (NM_001318829.2); c.606C>T, p.Leu202= (NM_001318832.2); c.-1-703C>T (NM_001318831.2).
Identifiers: ClinVar variation 65080 (VCV000065080.23), dbSNP rs397515059, ClinGen allele CA022574.
Genomic context (GRCh38, chr16:2,055,493, plus strand): 5'-CTTGTCCTCGGAATTCCTTCTGGTGCTGGTGAACTTGGTCAAATTCAATAGCTGTTACCT[C>T]GACGAGTACATCGCAAGGATGGTTCAGTAAGAAAAGAATTGAGATCCTGTTCTGATAATG-3'
Protein context (NP_000539.2, residues 181-201): VNLVKFNSCY[Leu191=]DEYIARMVQM

ClinVar aggregate classification (germline): Conflicting classifications of pathogenicity. Review status: criteria provided, conflicting classifications (1 of 4 stars). 8 submissions from 8 submitters: Uncertain significance (1); Benign (2); Likely benign (4). 1 of the submissions does not count toward it. Last evaluated 2025-12-29.

Conditions:
Hereditary cancer-predisposing syndrome. Also called: Tumor predisposition; Hereditary Cancer Syndrome; Neoplastic Syndromes, Hereditary; Hereditary neoplastic syndrome. Identifiers: Orphanet 140162, MedGen C0027672, MeSH D009386, MONDO:0015356.
Tuberous sclerosis 2 (TSC2). Identifiers: Orphanet 805, MedGen C1860707, MONDO:0013199, OMIM 613254.
Tuberous sclerosis syndrome (TSC). Also called: Tuberous Sclerosis Complex; Tuberous sclerosis. Identifiers: Orphanet 805, MedGen C0041341, MONDO:0001734.

Allele frequency attached by ClinVar (database versions not stated): TOPMed below 0.00001; ExAC 0.00001; gnomAD 0.00001.
gnomAD v4.1: 13 of 1,614,008 alleles (0.00081%); highest among the groups gnomAD compares: Admixed American, 0.0017%; no homozygotes.

Submissions (8):

Labcorp Genetics (formerly Invitae), Labcorp
Classification: Likely benign for Tuberous sclerosis 2. Last evaluated: 2025-12-29. Review status: criteria provided, single submitter. Criteria: Invitae Variant Classification Sherloc (09022015). Collection method: clinical testing. Allele origin: germline.

Myriad Genetics, Inc.
Classification: Benign for Tuberous sclerosis 2. Last evaluated: 2025-05-07. Review status: criteria provided, single submitter. Criteria: Myriad Autosomal Dominant, Autosomal Recessive and X-Linked Classification Criteria (2023). Collection method: clinical testing. Allele origin: unknown.
Comment: This variant is considered benign. This variant is a silent/synonymous amino acid change and it is not expected to impact splicing.

GeneDx
Classification: Uncertain significance. Last evaluated: 2024-01-05. Review status: criteria provided, single submitter. Criteria: GeneDx Variant Classification Process June 2021. Collection method: clinical testing. Allele origin: germline. Affected: yes.
Comment: Has not been previously published as pathogenic or benign to our knowledge; In silico analysis is inconclusive as to whether the variant alters gene splicing. In the absence of RNA/functional studies, the actual effect of this sequence change is unknown.

All of Us Research Program, National Institutes of Health
Classification: Likely benign for Tuberous sclerosis syndrome. Last evaluated: 2023-05-08. Review status: criteria provided, single submitter. Criteria: ACMG Guidelines, 2015. Collection method: clinical testing. Allele origin: germline. Inheritance: Autosomal dominant inheritance. Observed: 3 variant alleles, 3 heterozygotes.
Comment: This study involves interpretation of variants in research participants for the purpose of population health screening. Participant phenotype was not available at the time of variant classification. Additional details can be found in publication PMID: 35346344, PMCID: PMC8962531

Color Diagnostics, LLC DBA Color Health
Classification: Likely benign for Tuberous sclerosis syndrome. Last evaluated: 2022-09-12. Review status: criteria provided, single submitter. Criteria: ACMG Guidelines, 2015. Collection method: clinical testing. Allele origin: germline.

Genome-Nilou Lab
Classification: Benign for Tuberous sclerosis 2. Last evaluated: 2021-11-07. Review status: criteria provided, single submitter. Criteria: ACMG Guidelines, 2015. Collection method: clinical testing. Allele origin: germline. Affected: no.

Ambry Genetics
Classification: Likely benign for Hereditary cancer-predisposing syndrome. Last evaluated: 2019-05-16. Review status: criteria provided, single submitter. Criteria: Ambry Variant Classification Scheme 2023. Collection method: clinical testing. Allele origin: germline.

Tuberous sclerosis database (TSC2)
No classification provided. Condition: TSC. Review status: no classification provided. Criteria: Tuberous Sclerosis Database Assertion Criteria 2015. Collection method: curation. Allele origin: germline. Affected: yes. Not counted in ClinVar's aggregate classification.